The following is an entry in ClinVar:

ClinVar aggregate classification (germline): Uncertain significance (1 of 4 stars; one submission).

Conditions:
Immunodeficiency, common variable, 2 (CVID2). Also called: HYPOGAMMAGLOBULINEMIA DUE TO TACI DEFICIENCY; ANTIBODY DEFICIENCY DUE TO TACI DEFECT. Identifiers: Orphanet 1572, MedGen C3150354, MONDO:0009413, OMIM 240500.

Submission:

Labcorp Genetics (formerly Invitae), Labcorp
Classification: Uncertain significance for Immunodeficiency, common variable, 2. Last evaluated: 2025-03-18. Review status: criteria provided, single submitter. Criteria: Invitae Variant Classification Sherloc (09022015). Collection method: clinical testing. Allele origin: germline.
Comment: This sequence change replaces glycine, which is neutral and non-polar, with arginine, which is basic and polar, at codon 249 of the TNFRSF13B protein (p.Gly249Arg). This variant is not present in population databases (gnomAD no frequency). This variant has not been reported in the literature in individuals affected with TNFRSF13B-related conditions. ClinVar contains an entry for this variant (Variation ID: 1401508). Invitae Evidence Modeling of protein sequence and biophysical properties (such as structural, functional, and spatial information, amino acid conservation, physicochemical variation, residue mobility, and thermodynamic stability) indicates that this missense variant is not expected to disrupt TNFRSF13B protein function with a negative predictive value of 95%. In summary, the available evidence is currently insufficient to determine the role of this variant in disease. Therefore, it has been classified as a Variant of Uncertain Significance.

NM_012452.3(TNFRSF13B):c.745G>C (p.Gly249Arg)

Gene: TNFRSF13B (TNF receptor superfamily member 13B; minus strand). Cytogenetic location: 17p11.2.
Variant type: single nucleotide variant.
Coding change: c.745G>C on transcript NM_012452.3 (MANE Select); coding-DNA position 745, G replaced by C.
Protein change: p.Gly249Arg; replaces glycine 249 with arginine.
Molecular consequence: missense variant.
Genome position (GRCh38, 1-based): chr17:16,939,684, C>G on the plus strand (G>C on the coding strand, the complement: TNFRSF13B is on the minus strand). VCF-style: chr17-16939684-C-G. GRCh37 (hg19) VCF-style: chr17-16842998-C-G.
Other names: short protein forms G249R.
Identifiers: ClinVar variation 1401508 (VCV001401508.8), dbSNP rs2143640077, ClinGen allele CA398519108.